The following is an entry in ClinVar:

ClinVar aggregate classification (germline): Uncertain significance. Review status: criteria provided, multiple submitters, no conflicts (2 of 4 stars). 2 submissions from 2 submitters: Uncertain significance (2). Last evaluated 2025-09-29.

Conditions:
Inborn genetic diseases. Identifiers: MedGen C0950123, MeSH D030342.
Autosomal recessive limb-girdle muscular dystrophy type 2Q (LGMDR17). Also called: MUSCULAR DYSTROPHY, LIMB-GIRDLE, AUTOSOMAL RECESSIVE 17. Identifiers: Orphanet 254361, MedGen C3150989, MONDO:0013390, OMIM 613723.
Epidermolysis bullosa simplex 5B, with muscular dystrophy (EBS5B). Also called: EPIDERMOLYSIS BULLOSA SIMPLEX AND LIMB-GIRDLE MUSCULAR DYSTROPHY; Epidermolysis bullosa simplex with muscular dystrophy. Identifiers: Orphanet 257, MedGen C2931072, MONDO:0009181, OMIM 226670.
Epidermolysis bullosa simplex, Ogna type (EBS5A). Also called: Pidermolysis bullosa simplex 5A, Ogna type; EPIDERMOLYSIS BULLOSA SIMPLEX 5A, OGNA TYPE. Identifiers: Orphanet 79401, MedGen C0432317, MONDO:0007555, OMIM 131950.
Epidermolysis bullosa simplex with nail dystrophy (EBS5D). Identifiers: MedGen C4225309, MONDO:0014661, OMIM 616487.
Epidermolysis bullosa simplex 5C, with pyloric atresia (EBS5C). Also called: Epidermolysis bullosa simplex with pyloric atresia; PLEC1-Related Epidermolysis Bullosa with Pyloric Atresia; PLEC-Related Epidermolysis Bullosa with Pyloric Atresia. Identifiers: Orphanet 158684, MedGen C2677349, MONDO:0012807, OMIM 612138.

Allele frequency attached by ClinVar (database versions not stated): gnomAD exomes 0.00001 and below 0.00001; TOPMed below 0.00001.
gnomAD v4.1: 12 of 1,611,442 alleles (0.00074%); highest among the groups gnomAD compares: Non-Finnish European, 0.00059%; no homozygotes.

Submissions (2):

Labcorp Genetics (formerly Invitae), Labcorp
Classification: Uncertain significance for Autosomal recessive limb-girdle muscular dystrophy type 2Q; Epidermolysis bullosa simplex, Ogna type; Epidermolysis bullosa simplex with nail dystrophy; Epidermolysis bullosa simplex 5C, with pyloric atresia; Epidermolysis bullosa simplex 5B, with muscular dystrophy. Last evaluated: 2025-09-29. Review status: criteria provided, single submitter. Criteria: Invitae Variant Classification Sherloc (09022015). Collection method: clinical testing. Allele origin: germline.
Comment: This sequence change replaces methionine, which is neutral and non-polar, with isoleucine, which is neutral and non-polar, at codon 3632 of the PLEC protein (p.Met3632Ile). This variant is present in population databases (no rsID available, gnomAD 0.0009%). This variant has not been reported in the literature in individuals affected with PLEC-related conditions. ClinVar contains an entry for this variant (Variation ID: 1473403). An algorithm developed to predict the effect of missense changes on protein structure and function (PolyPhen-2) suggests that this variant is likely to be disruptive. In summary, the available evidence is currently insufficient to determine the role of this variant in disease. Therefore, it has been classified as a Variant of Uncertain Significance.

Ambry Genetics
Classification: Uncertain significance for Inborn genetic diseases. Last evaluated: 2025-04-02. Review status: criteria provided, single submitter. Criteria: Ambry Variant Classification Scheme 2023. Collection method: clinical testing. Allele origin: germline.

NM_201384.3(PLEC):c.10815G>A (p.Met3605Ile)

Gene: PLEC (plectin; minus strand). Cytogenetic location: 8q24.3.
Variant type: single nucleotide variant.
Coding change: c.10815G>A on transcript NM_201384.3 (MANE Select); coding-DNA position 10815, G replaced by A.
Protein change: p.Met3605Ile; replaces methionine 3605 with isoleucine.
Molecular consequence: missense variant.
Genome position (GRCh38, 1-based): chr8:143,919,006, C>T on the plus strand (G>A on the coding strand, the complement: PLEC is on the minus strand). VCF-style: chr8-143919006-C-T. GRCh37 (hg19) VCF-style: chr8-144993174-C-T.
Other names: c.10896G>A, p.Met3632Ile (NM_000445.5); c.10773G>A, p.Met3591Ile (NM_201378.4); c.10749G>A, p.Met3583Ile (NM_201379.3); c.11226G>A, p.Met3742Ile (NM_201380.4); c.10719G>A, p.Met3573Ile (NM_201381.3); c.10815G>A, p.Met3605Ile (NM_201382.4); c.10827G>A, p.Met3609Ile (NM_201383.3); c.10896G>A (NM_000445.3); short protein forms M3609I, M3742I, M3591I, M3573I, M3583I, M3605I, M3632I.
Identifiers: ClinVar variation 1473403 (VCV001473403.7), dbSNP rs1554676882, ClinGen allele CA372496433.
Genomic context (GRCh38, chr8:143,919,006, plus strand): 5'-GATCTCGATGATGATGATGATCATGCGTTCCTTGGTCACCCGGCCGGCCTGGAAGTCAGC[C>T]ATCAGCTGGGCCCGCTGCTCCTCGGGGATCAGGTCCGACTGCATCACCTCCCACAGGGAC-3'
Protein context (NP_958786.1, residues 3595-3615): LIPEEQRAQL[Met3605Ile]ADFQAGRVTK